The following is an entry in ClinVar:

NM_000081.4(LYST):c.2724C>G (p.Cys908Trp)

Gene: LYST (lysosomal trafficking regulator; minus strand). Cytogenetic location: 1q42.3.
Variant type: single nucleotide variant.
Coding change: c.2724C>G on transcript NM_000081.4 (MANE Select); coding-DNA position 2724, C replaced by G.
Protein change: p.Cys908Trp; replaces cysteine 908 with tryptophan.
Molecular consequence: missense variant.
Genome position (GRCh38, 1-based): chr1:235,806,412, G>C on the plus strand (C>G on the coding strand, the complement: LYST is on the minus strand). VCF-style: chr1-235806412-G-C. GRCh37 (hg19) VCF-style: chr1-235969712-G-C.
Other names: p.Cys908Trp; c.2724C>G, p.Cys908Trp (NM_001301365.1); short protein forms C908W.
Identifiers: ClinVar variation 859392 (VCV000859392.11), dbSNP rs201440611, ClinGen allele CA344955698.

ClinVar aggregate classification (germline): Uncertain significance. Review status: criteria provided, multiple submitters, no conflicts (2 of 4 stars). 2 submissions from 2 submitters: Uncertain significance (2). Last evaluated 2024-08-02.

Conditions:
Chédiak-Higashi syndrome (CHS). Also called: Chediak-Higashi Syndrome. Identifiers: Orphanet 167, MedGen C0007965, MONDO:0008963, OMIM 214500.

Submissions (2):

Mayo Clinic Laboratories, Mayo Clinic
Classification: Uncertain significance. Last evaluated: 2024-08-02. Review status: criteria provided, single submitter. Criteria: ACMG Guidelines, 2015. Collection method: clinical testing. Allele origin: germline. Observed: 1 variant allele.

Labcorp Genetics (formerly Invitae), Labcorp
Classification: Uncertain significance for Chédiak-Higashi syndrome. Last evaluated: 2021-07-22. Review status: criteria provided, single submitter. Criteria: Invitae Variant Classification Sherloc (09022015). Collection method: clinical testing. Allele origin: germline.
Comment: In summary, the available evidence is currently insufficient to determine the role of this variant in disease. Therefore, it has been classified as a Variant of Uncertain Significance. Algorithms developed to predict the effect of missense changes on protein structure and function are either unavailable or do not agree on the potential impact of this missense change (SIFT: "Deleterious"; PolyPhen-2: "Probably Damaging"; Align-GVGD: "Class C0"). This variant has not been reported in the literature in individuals with LYST-related conditions. This variant is not present in population databases (ExAC no frequency). This sequence change replaces cysteine with tryptophan at codon 908 of the LYST protein (p.Cys908Trp). The cysteine residue is moderately conserved and there is a large physicochemical difference between cysteine and tryptophan.